The following is an entry in ClinVar:

NM_001040142.2(SCN2A):c.2566C>T (p.Arg856Ter)

Gene: SCN2A (sodium voltage-gated channel alpha subunit 2; plus strand). Cytogenetic location: 2q24.3.
Variant type: single nucleotide variant.
Coding change: c.2566C>T on transcript NM_001040142.2 (MANE Select); coding-DNA position 2566, C replaced by T.
Protein change: p.Arg856Ter; replaces arginine 856 with a stop codon.
Molecular consequence: nonsense.
Genome position (GRCh38, 1-based): chr2:165,344,558, C>T. VCF-style: chr2-165344558-C-T. GRCh37 (hg19) VCF-style: chr2-166201068-C-T.
Other names: c.2566C>T, p.Arg856Ter (NM_001040143.2, NM_001371246.1, NM_001371247.1 and 1 more transcripts); short protein forms R856*.
Identifiers: ClinVar variation 436662 (VCV000436662.19), dbSNP rs1553579225, ClinGen allele CA349013087.

ClinVar aggregate classification (germline): Pathogenic/Likely pathogenic. Review status: criteria provided, multiple submitters, no conflicts (2 of 4 stars). 6 submissions from 6 submitters: Pathogenic (5); Likely pathogenic (1). Last evaluated 2025-06-12.

Conditions:
Developmental and epileptic encephalopathy, 11 (DEE11). Also called: Early infantile epileptic encephalopathy 11. Identifiers: Orphanet 1934, MedGen C3150987, MONDO:0013388, OMIM 613721.
SCN2A-related disorder. Also called: SCN2A-related disorders; SCN2A-related condition. Identifiers: MedGen CN382226, MONDO:1060245.
Seizures, benign familial infantile, 3 (BFIS3). Also called: Familial neonatal seizures; CONVULSIONS, BENIGN FAMILIAL INFANTILE, 3. Identifiers: Orphanet 140927, Orphanet 306, MedGen C1843140, MONDO:0011904, OMIM 607745.

Submissions (6):

3billion
Classification: Pathogenic for SCN2A-related disorder. Last evaluated: 2025-06-12. Review status: criteria provided, single submitter. Criteria: ACMG Guidelines, 2015. Collection method: clinical testing. Allele origin: germline. Affected: yes.
Comment: The variant is not observed in the gnomAD v4.1.0 dataset. Predicted Consequence/Location: Stop-gained (nonsense): predicted to result in a loss or disruption of normal protein function through nonsense-mediated decay (NMD) or protein truncation. Multiple pathogenic variants are reported downstream of the variant. The variant has been reported at least twice as pathogenic without evidence for the classification (ClinVar ID: VCV000436662). Therefore, this variant is classified as Pathogenic according to the recommendation of ACMG/AMP guideline.

Blueprint Genetics
Classification: Pathogenic for SCN2A-related disorders. Last evaluated: 2024-04-08. Review status: criteria provided, single submitter. Criteria: ACMG Guidelines, 2015. Collection method: clinical testing. Allele origin: de novo. Affected: yes. Observed: 1 variant allele.

GeneDx
Classification: Pathogenic. Last evaluated: 2023-10-13. Review status: criteria provided, single submitter. Criteria: GeneDx Variant Classification Process June 2021. Collection method: clinical testing. Allele origin: germline. Affected: yes.
Comment: Nonsense variant predicted to result in protein truncation or nonsense mediated decay in a gene for which loss of function is a known mechanism of disease; Not observed at significant frequency in large population cohorts (gnomAD); This variant is associated with the following publications: (PMID: 31272037, 31440721, 35741772, 33004838, 29351919, 30564305, 27824329)

Labcorp Genetics (formerly Invitae), Labcorp
Classification: Pathogenic for Seizures, benign familial infantile, 3; Developmental and epileptic encephalopathy, 11. Last evaluated: 2022-07-25. Review status: criteria provided, single submitter. Criteria: Invitae Variant Classification Sherloc (09022015). Collection method: clinical testing. Allele origin: germline.
Comment: This variant is not present in population databases (gnomAD no frequency). For these reasons, this variant has been classified as Pathogenic. ClinVar contains an entry for this variant (Variation ID: 436662). This premature translational stop signal has been observed in individual(s) with autism spectrum disorder (PMID: 27824329). This sequence change creates a premature translational stop signal (p.Arg856*) in the SCN2A gene. It is expected to result in an absent or disrupted protein product. Loss-of-function variants in SCN2A are known to be pathogenic (PMID: 28379373).

Mendelics
Classification: Likely pathogenic for Seizures, benign familial infantile, 3. Last evaluated: 2019-05-28. Review status: criteria provided, single submitter. Criteria: Mendelics Assertion Criteria 2017. Collection method: clinical testing. Allele origin: unknown.

Genetic Services Laboratory, University of Chicago
Classification: Pathogenic for Epileptic encephalopathy, early infantile, 11. Last evaluated: 2017-01-30. Review status: criteria provided, single submitter. Criteria: ACMG Guidelines, 2015. Collection method: clinical testing. Allele origin: germline. Affected: yes.

Literature cited by the submitters: PubMed 27824329 (cited by Labcorp Genetics (formerly Invitae), Labcorp); PubMed 28379373 (cited by Labcorp Genetics (formerly Invitae), Labcorp).